The following is an entry in ClinVar:

NM_016277.5(RAB23):c.398+10C>T

Gene: RAB23 (RAB23, member RAS oncogene family; minus strand). Cytogenetic location: 6p12.1.
Variant type: single nucleotide variant.
Coding change: c.398+10C>T on transcript NM_016277.5 (MANE Select); 10 bases into the intron after coding-DNA position 398, C replaced by T.
Molecular consequence: intron variant.
Genome position (GRCh38, 1-based): chr6:57,196,440, G>A on the plus strand (C>T on the coding strand, the complement: RAB23 is on the minus strand). VCF-style: chr6-57196440-G-A. GRCh37 (hg19) VCF-style: chr6-57061238-G-A.
Other names: c.398+10C>T (NM_183227.2, NM_001278666.2, NM_001278667.2 and 2 more transcripts).
Identifiers: ClinVar variation 1142656 (VCV001142656.11), dbSNP rs897972213, ClinGen allele CA139736695.

ClinVar aggregate classification (germline): Likely benign. Review status: criteria provided, single submitter (1 of 4 stars). 2 submissions from 2 submitters: Likely benign (1). 1 of the submissions does not count toward it. Last evaluated 2023-07-22.

Conditions:
RAB23-related disorder. Also called: RAB23-related condition.
Carpenter syndrome. Identifiers: Orphanet 65759, MedGen C1275078, MONDO:0019012.

Allele frequency attached by ClinVar (database versions not stated): gnomAD exomes 0.00001.

Submissions (2):

Labcorp Genetics (formerly Invitae), Labcorp
Classification: Likely benign for Carpenter syndrome. Last evaluated: 2023-07-22. Review status: criteria provided, single submitter. Criteria: Invitae Variant Classification Sherloc (09022015). Collection method: clinical testing. Allele origin: germline.

PreventionGenetics, part of Exact Sciences
Classification: Likely benign for RAB23-related condition. Last evaluated: 2022-01-20. Review status: no assertion criteria provided. Collection method: clinical testing. Allele origin: germline. Not counted in ClinVar's aggregate classification.
Comment: This variant is classified as likely benign based on ACMG/AMP sequence variant interpretation guidelines (Richards et al. 2015 PMID: 25741868, with internal and published modifications).